The following is an entry in ClinVar:

NM_024529.5(CDC73):c.588_590delinsGAA (p.Ile197Asn)

Gene: CDC73 (cell division cycle 73; plus strand). Cytogenetic location: 1q31.2.
Variant type: Indel.
Coding change: c.588_590delinsGAA on transcript NM_024529.5 (MANE Select); coding-DNA positions 588 to 590, TAT replaced by GAA.
Protein change: p.Ile197Asn; replaces isoleucine 197 with asparagine.
Molecular consequence: missense variant.
Genome position (GRCh38, 1-based): chr1:193,141,925-193,141,927, TAT replaced by GAA. VCF-style: chr1-193141925-TAT-GAA. GRCh37 (hg19) VCF-style: chr1-193111055-TAT-GAA.
Other names: short protein forms I197N.
Identifiers: ClinVar variation 133843 (VCV000133843.1), dbSNP rs587778168, ClinGen allele CA157942.
Genomic context (GRCh38, chr1:193,141,925, plus strand): 5'-TATGTCAGTGGAAAAAATTGCTGCAATCAAAGCCAAAATTATGGCTAAGAAAAGATCTAC[TAT>GAA]CAAGACTGATCTAGATGATGACATAACTGCCCTTAAACAGAGGAGTTTTGTGGATGCTGA-3'
Protein context (NP_078805.3, residues 187-207): AKIMAKKRST[Ile197Asn]KTDLDDDITA

ClinVar aggregate classification (germline): not provided (0 of 4 stars; one submission).

Submission:

ITMI
No classification provided. Condition: AllHighlyPenetrant. Last evaluated: 2013-09-19. Review status: no classification provided. Collection method: reference population. Allele origin: germline.
Comment: Please see associated publication for description of ethnicities

Literature cited by the submitters: PubMed 24728327.